The following is an entry in ClinVar:

NM_005589.4(ALDH6A1):c.925G>A (p.Ala309Thr)

Genes: ALDH6A1 (aldehyde dehydrogenase 6 family member A1; minus strand), BBOF1 (basal body orientation factor 1; plus strand). Cytogenetic location: 14q24.3.
Variant type: single nucleotide variant.
Coding change: c.925G>A on transcript NM_005589.4 (MANE Select); coding-DNA position 925, G replaced by A.
Protein change: p.Ala309Thr; replaces alanine 309 with threonine.
Molecular consequence: missense variant.
Genome position (GRCh38, 1-based): chr14:74,067,497, C>T on the plus strand (G>A on the coding strand, the complement: ALDH6A1 is on the minus strand). VCF-style: chr14-74067497-C-T. GRCh37 (hg19) VCF-style: chr14-74534200-C-T.
Other names: c.886G>A, p.Ala296Thr (NM_001278593.2); c.463G>A, p.Ala155Thr (NM_001278594.2); c.925G>A (NM_005589.2); short protein forms A155T, A309T, A296T.
Identifiers: ClinVar variation 2037195 (VCV002037195.5), dbSNP rs2504583658, ClinGen allele CA390368954.
Genomic context (GRCh38, chr14:74,067,497, plus strand): 5'-CTTCTCCCACAAGGACTGCTGTTGAAAGAGCCATGCAGCGCTGACCAGCAGCTCCAAATG[C>T]TGCCCCAACCAGCTGGTTCAGGGTATTTTCCTTATTGGCATCTGGCATGACTACCCCATG-3'
Protein context (NP_005580.1, residues 299-319): ENTLNQLVGA[Ala309Thr]FGAAGQRCMA

ClinVar aggregate classification (germline): Uncertain significance. Review status: criteria provided, multiple submitters, no conflicts (2 of 4 stars). 2 submissions from 2 submitters: Uncertain significance (2). Last evaluated 2025-08-08.

Conditions:
Inborn genetic diseases. Identifiers: MedGen C0950123, MeSH D030342.

Submissions (2):

Ambry Genetics
Classification: Uncertain significance for Inborn genetic diseases. Last evaluated: 2025-08-08. Review status: criteria provided, single submitter. Criteria: Ambry Variant Classification Scheme 2023. Collection method: clinical testing. Allele origin: germline.

Labcorp Genetics (formerly Invitae), Labcorp
Classification: Uncertain significance. Last evaluated: 2022-12-06. Review status: criteria provided, single submitter. Criteria: Invitae Variant Classification Sherloc (09022015). Collection method: clinical testing. Allele origin: germline.
Comment: This sequence change replaces alanine, which is neutral and non-polar, with threonine, which is neutral and polar, at codon 309 of the ALDH6A1 protein (p.Ala309Thr). This variant is not present in population databases (gnomAD no frequency). Advanced modeling of protein sequence and biophysical properties (such as structural, functional, and spatial information, amino acid conservation, physicochemical variation, residue mobility, and thermodynamic stability) performed at Invitae indicates that this missense variant is not expected to disrupt ALDH6A1 protein function. In summary, the available evidence is currently insufficient to determine the role of this variant in disease. Therefore, it has been classified as a Variant of Uncertain Significance. This variant has not been reported in the literature in individuals affected with ALDH6A1-related conditions.